The following is an entry in ClinVar:

ClinVar aggregate classification (germline): Uncertain significance. Review status: criteria provided, multiple submitters, no conflicts (2 of 4 stars). 3 submissions from 3 submitters: Uncertain significance (3). Last evaluated 2026-01-25.

Conditions:
PDGFRA-related disorder. Also called: PDGFRA-related condition.
Gastrointestinal stromal tumor. Also called: Gastrointestinal stromal tumor, somatic; Gastrointestinal stroma tumor. Identifiers: Orphanet 44890, MedGen C0238198, MeSH D046152, MONDO:0011719, OMIM 606764, HP:0100723.
Hereditary cancer-predisposing syndrome. Also called: Neoplastic Syndromes, Hereditary; Hereditary Cancer Syndrome; Tumor predisposition; Hereditary neoplastic syndrome. Identifiers: Orphanet 140162, MedGen C0027672, MeSH D009386, MONDO:0015356.

Allele frequency attached by ClinVar (database versions not stated): TOPMed below 0.00001.

Submissions (3):

Labcorp Genetics (formerly Invitae), Labcorp
Classification: Uncertain significance for Gastrointestinal stromal tumor. Last evaluated: 2026-01-25. Review status: criteria provided, single submitter. Criteria: Invitae Variant Classification Sherloc (09022015). Collection method: clinical testing. Allele origin: germline.
Comment: This sequence change replaces lysine, which is basic and polar, with glutamic acid, which is acidic and polar, at codon 960 of the PDGFRA protein (p.Lys960Glu). This variant is not present in population databases (gnomAD no frequency). This variant has not been reported in the literature in individuals affected with PDGFRA-related conditions. ClinVar contains an entry for this variant (Variation ID: 947738). An algorithm developed to predict the effect of missense changes on protein structure and function (PolyPhen-2) suggests that this variant is likely to be tolerated. In summary, the available evidence is currently insufficient to determine the role of this variant in disease. Therefore, it has been classified as a Variant of Uncertain Significance.

PreventionGenetics, part of Exact Sciences
Classification: Uncertain significance for PDGFRA-related condition. Last evaluated: 2025-05-03. Review status: criteria provided, single submitter. Criteria: ACMG Guidelines, 2015. Collection method: clinical testing. Allele origin: germline.
Comment: The PDGFRA c.2878A>G variant is predicted to result in the amino acid substitution p.Lys960Glu. To our knowledge, this variant has not been reported in the literature or in a large population database (gnomAD), indicating this variant is rare. This variant is interpreted as uncertain in ClinVar. At this time, the clinical significance of this variant is uncertain due to the absence of conclusive functional and genetic evidence.

Ambry Genetics
Classification: Uncertain significance for Hereditary cancer-predisposing syndrome. Last evaluated: 2025-04-18. Review status: criteria provided, single submitter. Criteria: Ambry Variant Classification Scheme 2023. Collection method: clinical testing. Allele origin: germline.
Comment: The p.K960E variant (also known as c.2878A>G), located in coding exon 20 of the PDGFRA gene, results from an A to G substitution at nucleotide position 2878. The lysine at codon 960 is replaced by glutamic acid, an amino acid with similar properties. This amino acid position is conserved. In addition, the in silico prediction for this alteration is inconclusive. Since supporting evidence is limited at this time, the clinical significance of this alteration remains unclear.

NM_006206.6(PDGFRA):c.2878A>G (p.Lys960Glu)

Gene: PDGFRA (platelet derived growth factor receptor alpha; plus strand). Cytogenetic location: 4q12.
Variant type: single nucleotide variant.
Coding change: c.2878A>G on transcript NM_006206.6 (MANE Select); coding-DNA position 2878, A replaced by G.
Protein change: p.Lys960Glu; replaces lysine 960 with glutamic acid.
Molecular consequence: missense variant.
Genome position (GRCh38, 1-based): chr4:54,289,112, A>G. VCF-style: chr4-54289112-A-G. GRCh37 (hg19) VCF-style: chr4-55155279-A-G.
Other names: c.2953A>G, p.Lys985Glu (NM_001347828.2); c.2878A>G, p.Lys960Glu (NM_001347829.2); c.2917A>G, p.Lys973Glu (NM_001347830.2); c.2878A>G (NM_006206.5); short protein forms K973E, K985E, K960E.
Identifiers: ClinVar variation 947738 (VCV000947738.12), dbSNP rs1680694436, ClinGen allele CA356895884.